The following is an entry in ClinVar:

ClinVar aggregate classification (germline): Benign/Likely benign. Review status: criteria provided, multiple submitters, no conflicts (2 of 4 stars). 3 submissions from 3 submitters: Benign (2); Likely benign (1). Last evaluated 2024-02-01.

Allele frequency attached by ClinVar (database versions not stated): 1000 Genomes Project 30x 0.00047; 1000 Genomes Project 0.00060; TOPMed 0.00301; gnomAD exomes 0.00308; ESP Exome Variant Server 0.00377.
gnomAD v4.1: 4,962 of 1,612,962 alleles (0.31%); highest among the groups gnomAD compares: Middle Eastern, 0.96%; 11 homozygotes.

Submissions (3):

CeGaT Center for Human Genetics Tuebingen
Classification: Likely benign. Last evaluated: 2024-02-01. Review status: criteria provided, single submitter. Criteria: CeGaT Center For Human Genetics Tuebingen Variant Classification Criteria Version 2. Collection method: clinical testing. Allele origin: germline. Affected: yes. Observed: 1 variant allele.
Comment: MYO1C: BP4, BS2

GeneDx
Classification: Benign. Last evaluated: 2018-07-20. Review status: criteria provided, single submitter. Criteria: GeneDx Variant Classification Process June 2021. Collection method: clinical testing. Allele origin: germline. Affected: yes.

Breakthrough Genomics
Classification: Benign. Review status: criteria provided, single submitter. Criteria: ACMG Guidelines, 2015. Collection method: not provided. Allele origin: germline. Inheritance: Unknown mechanism. Affected: yes.

NM_001080779.2(MYO1C):c.2853G>A (p.Glu951=)

Gene: MYO1C (myosin IC; minus strand). Cytogenetic location: 17p13.3.
Variant type: single nucleotide variant.
Coding change: c.2853G>A on transcript NM_001080779.2 (MANE Select); coding-DNA position 2853, G replaced by A.
Protein change: p.Glu951=; no amino-acid change (glutamic acid 951 retained).
Molecular consequence: synonymous variant.
Genome position (GRCh38, 1-based): chr17:1,468,031, C>T on the plus strand (G>A on the coding strand, the complement: MYO1C is on the minus strand). VCF-style: chr17-1468031-C-T. GRCh37 (hg19) VCF-style: chr17-1371325-C-T.
Other names: c.2796G>A, p.Glu932= (NM_001080950.2); c.2781G>A, p.Glu927= (NM_001363855.1); c.2748G>A, p.Glu916= (NM_033375.5).
Identifiers: ClinVar variation 508591 (VCV000508591.26), dbSNP rs138350458, ClinGen allele CA8266798.